The following is an entry in ClinVar:

NM_000744.7(CHRNA4):c.1011G>A (p.Thr337=)

Gene: CHRNA4 (cholinergic receptor nicotinic alpha 4 subunit; minus strand). Cytogenetic location: 20q13.33.
Variant type: single nucleotide variant.
Coding change: c.1011G>A on transcript NM_000744.7 (MANE Select); coding-DNA position 1011, G replaced by A.
Protein change: p.Thr337=; no amino-acid change (threonine 337 retained).
Molecular consequence: synonymous variant. On other transcripts: non-coding transcript variant (1).
Genome position (GRCh38, 1-based): chr20:63,350,400, C>T on the plus strand (G>A on the coding strand, the complement: CHRNA4 is on the minus strand). VCF-style: chr20-63350400-C-T. GRCh37 (hg19) VCF-style: chr20-61981752-C-T.
Other names: c.483G>A, p.Thr161= (NM_001256573.2).
Identifiers: ClinVar variation 2652526 (VCV002652526.27), dbSNP rs200803878, ClinGen allele CA9957678.
Genomic context (GRCh38, chr20:63,350,400, plus strand): 5'-GAGGAGCAGGCGTGGCACGATGTCCAGGAAGACCCTGCGTACCCAGGTGGGCATGGTGTG[C>T]GTGCGTGGCGAGCGGTGGTGCACGTTGAGCACGAAGACCGTGATGACGATGGACAGGGTG-3'
Protein context (NP_000735.1, residues 327-347): VLNVHHRSPR[Thr337=]HTMPTWVRRV

ClinVar aggregate classification (germline): Likely benign. Review status: criteria provided, multiple submitters, no conflicts (2 of 4 stars). 2 submissions from 2 submitters: Likely benign (2). Last evaluated 2024-03-11.

Conditions:
Familial sleep-related hypermotor epilepsy. Also called: Autosomal Dominant Sleep-Related Hypermotor (Hyperkinetic) Epilepsy. Identifiers: Orphanet 98784, MedGen C3696898, MONDO:0000030.

Allele frequency attached by ClinVar (database versions not stated): TOPMed 0.00002; ExAC 0.00003; gnomAD 0.00003.
gnomAD v4.1: 69 of 1,613,724 alleles (0.0043%); highest among the groups gnomAD compares: East Asian, 0.053%; no homozygotes.

Submissions (2):

Labcorp Genetics (formerly Invitae), Labcorp
Classification: Likely benign. Last evaluated: 2024-03-11. Review status: criteria provided, single submitter. Criteria: Invitae Variant Classification Sherloc (09022015). Collection method: clinical testing. Allele origin: germline.

CeGaT Center for Human Genetics Tuebingen
Classification: Likely benign. Last evaluated: 2022-07-01. Review status: criteria provided, single submitter. Criteria: CeGaT Center For Human Genetics Tuebingen Variant Classification Criteria Version 2. Collection method: clinical testing. Allele origin: germline. Affected: yes. Observed: 1 variant allele.
Comment: CHRNA4: BP4, BP7